The following is an entry in ClinVar:

NM_020937.4(FANCM):c.1994A>G (p.Tyr665Cys)

Gene: FANCM (FA complementation group M; plus strand). Cytogenetic location: 14q21.2.
Variant type: single nucleotide variant.
Coding change: c.1994A>G on transcript NM_020937.4 (MANE Select); coding-DNA position 1994, A replaced by G.
Protein change: p.Tyr665Cys; replaces tyrosine 665 with cysteine.
Molecular consequence: missense variant.
Genome position (GRCh38, 1-based): chr14:45,167,155, A>G. VCF-style: chr14-45167155-A-G. GRCh37 (hg19) VCF-style: chr14-45636358-A-G.
Other names: c.1916A>G, p.Tyr639Cys (NM_001308133.2); c.1994A>G, p.Tyr665Cys (NM_001308134.2); short protein forms Y639C, Y665C.
Identifiers: ClinVar variation 952550 (VCV000952550.8), dbSNP rs148250143, ClinGen allele CA7169199.
Genomic context (GRCh38, chr14:45,167,155, plus strand): 5'-GTGTCTATGAACCAGAGAAGCCTTCTCGGAACTTGCAGCGAAAGTCATCTATCTTTTCCT[A>G]TAGGGATGGTAAATAAATTTTGCATTTGACACATGCATTTTTCCCCTGTTCTTACTTAGC-3'
Protein context (NP_065988.1, residues 655-675): NLQRKSSIFS[Tyr665Cys]RDGMRQSSLK

ClinVar aggregate classification (germline): Uncertain significance. Review status: criteria provided, multiple submitters, no conflicts (2 of 4 stars). 2 submissions from 2 submitters: Uncertain significance (2). Last evaluated 2024-05-06.

Conditions:
Fanconi anemia (FA). Also called: Fanconi's anemia. Identifiers: Orphanet 84, MedGen C0015625, MeSH D005199, MONDO:0019391.
Spermatogenic failure 28. Identifiers: MedGen C4748117, MONDO:0054732, OMIM 618086.
Premature ovarian failure 15. Identifiers: MedGen C4748170, MONDO:0054862, OMIM 618096.

Allele frequency attached by ClinVar (database versions not stated): gnomAD 0.00001; TOPMed 0.00001; ExAC 0.00002; gnomAD exomes 0.00002; ESP Exome Variant Server 0.00008.
gnomAD v4.1: 29 of 1,602,384 alleles (0.0018%); highest among the groups gnomAD compares: East Asian, 0.0022%; no homozygotes.

Submissions (2):

Labcorp Genetics (formerly Invitae), Labcorp
Classification: Uncertain significance for Fanconi anemia. Last evaluated: 2024-05-06. Review status: criteria provided, single submitter. Criteria: Invitae Variant Classification Sherloc (09022015). Collection method: clinical testing. Allele origin: germline.
Comment: This sequence change replaces tyrosine, which is neutral and polar, with cysteine, which is neutral and slightly polar, at codon 665 of the FANCM protein (p.Tyr665Cys). This variant is present in population databases (rs148250143, gnomAD 0.006%). This variant has not been reported in the literature in individuals affected with FANCM-related conditions. ClinVar contains an entry for this variant (Variation ID: 952550). Algorithms developed to predict the effect of missense changes on protein structure and function output the following: SIFT: "Not Available"; PolyPhen-2: "Benign"; Align-GVGD: "Not Available". The cysteine amino acid residue is found in multiple mammalian species, which suggests that this missense change does not adversely affect protein function. In summary, the available evidence is currently insufficient to determine the role of this variant in disease. Therefore, it has been classified as a Variant of Uncertain Significance.

Fulgent Genetics
Classification: Uncertain significance for Spermatogenic failure 28; Premature ovarian failure 15. Last evaluated: 2022-05-04. Review status: criteria provided, single submitter. Criteria: ACMG Guidelines, 2015. Collection method: clinical testing. Allele origin: unknown.